The following is an entry in ClinVar:

ClinVar aggregate classification (germline): Pathogenic (1 of 4 stars; one submission).

Conditions:
Hereditary cancer-predisposing syndrome. Also called: Hereditary Cancer Syndrome; Hereditary neoplastic syndrome; Neoplastic Syndromes, Hereditary; Tumor predisposition. Identifiers: Orphanet 140162, MedGen C0027672, MeSH D009386, MONDO:0015356.

Submission:

Ambry Genetics
Classification: Pathogenic for Hereditary cancer-predisposing syndrome. Last evaluated: 2023-08-29. Review status: criteria provided, single submitter. Criteria: Ambry Variant Classification Scheme 2023. Collection method: clinical testing. Allele origin: germline.
Comment: The p.K2670* variant (also known as c.8008A>T), located in coding exon 53 of the ATM gene, results from an A to T substitution at nucleotide position 8008. This changes the amino acid from a lysine to a stop codon within coding exon 53. This alteration is expected to result in loss of function by premature protein truncation or nonsense-mediated mRNA decay. As such, this alteration is interpreted as a disease-causing mutation.

NM_000051.4(ATM):c.8008A>T (p.Lys2670Ter)

Genes: ATM (ATM serine/threonine kinase; plus strand), C11orf65 (chromosome 11 open reading frame 65; minus strand). Cytogenetic location: 11q22.3.
Variant type: single nucleotide variant.
Coding change: c.8008A>T on transcript NM_000051.4 (MANE Select); coding-DNA position 8008, A replaced by T.
Protein change: p.Lys2670Ter; replaces lysine 2670 with a stop codon.
Molecular consequence: nonsense. On other transcripts: intron variant (2).
Genome position (GRCh38, 1-based): chr11:108,333,966, A>T. VCF-style: chr11-108333966-A-T. GRCh37 (hg19) VCF-style: chr11-108204693-A-T.
Other names: c.8008A>T, p.Lys2670Ter (NM_001351834.2); c.641-24895T>A (NM_001330368.2); c.*38+1254T>A (NM_001351110.2); short protein forms K2670*.
Identifiers: ClinVar variation 2587810 (VCV002587810.2), dbSNP rs2086557212, ClinGen allele CA382561815.